The following is an entry in ClinVar:

NM_000327.4(ROM1):c.839C>T (p.Ala280Val)

Gene: ROM1 (retinal outer segment membrane protein 1; plus strand). Cytogenetic location: 11q12.3.
Variant type: single nucleotide variant.
Coding change: c.839C>T on transcript NM_000327.4 (MANE Select); coding-DNA position 839, C replaced by T.
Protein change: p.Ala280Val; replaces alanine 280 with valine.
Molecular consequence: missense variant.
Genome position (GRCh38, 1-based): chr11:62,614,622, C>T. VCF-style: chr11-62614622-C-T. GRCh37 (hg19) VCF-style: chr11-62382094-C-T.
Other names: short protein forms A280V.
Identifiers: ClinVar variation 1046751 (VCV001046751.6), dbSNP rs112868723, ClinGen allele CA6049856.

ClinVar aggregate classification (germline): Uncertain significance (1 of 4 stars; one submission).

Allele frequency attached by ClinVar (database versions not stated): ExAC 0.00002; gnomAD exomes 0.00002; gnomAD 0.00004 and 0.00009; TOPMed 0.00006.

Submission:

Labcorp Genetics (formerly Invitae), Labcorp
Classification: Uncertain significance. Last evaluated: 2025-10-15. Review status: criteria provided, single submitter. Criteria: Invitae Variant Classification Sherloc (09022015). Collection method: clinical testing. Allele origin: germline.
Comment: This sequence change replaces alanine, which is neutral and non-polar, with valine, which is neutral and non-polar, at codon 280 of the ROM1 protein (p.Ala280Val). This variant is present in population databases (rs112868723, gnomAD 0.02%). This variant has not been reported in the literature in individuals affected with ROM1-related conditions. ClinVar contains an entry for this variant (Variation ID: 1046751). An algorithm developed to predict the effect of missense changes on protein structure and function outputs the following: PolyPhen-2: "Benign". The valine amino acid residue is found in multiple mammalian species, which suggests that this missense change does not adversely affect protein function. In summary, the available evidence is currently insufficient to determine the role of this variant in disease. Therefore, it has been classified as a Variant of Uncertain Significance.